The following is an entry in ClinVar:

NM_001211.6(BUB1B):c.1298T>C (p.Leu433Ser)

Gene: BUB1B (BUB1 mitotic checkpoint serine/threonine kinase B; plus strand). Cytogenetic location: 15q15.1.
Variant type: single nucleotide variant.
Coding change: c.1298T>C on transcript NM_001211.6 (MANE Select); coding-DNA position 1298, T replaced by C.
Protein change: p.Leu433Ser; replaces leucine 433 with serine.
Molecular consequence: missense variant.
Genome position (GRCh38, 1-based): chr15:40,199,624, T>C. VCF-style: chr15-40199624-T-C. GRCh37 (hg19) VCF-style: chr15-40491825-T-C.
Other names: short protein forms L433S.
Identifiers: ClinVar variation 1769274 (VCV001769274.2), dbSNP rs2140900203, ClinGen allele CA391688580.
Genomic context (GRCh38, chr15:40,199,624, plus strand): 5'-AGAATGAGTTACTATGAGGAATAATACCTCAAGCAACTTTACTGTTTCTAGCCGAGCTAT[T>C]GACCAGTGCAGAGAAGAGAGCAGAAATGCAGAAACAGATTGAAGAGATGGAGAAGAAGCT-3'
Protein context (NP_001202.5, residues 423-443): KLKEQREAEL[Leu433Ser]TSAEKRAEMQ

ClinVar aggregate classification (germline): Uncertain significance (1 of 4 stars; one submission).

Conditions:
Inborn genetic diseases. Identifiers: MedGen C0950123, MeSH D030342.

Submission:

Ambry Genetics
Classification: Uncertain significance for Inborn genetic diseases. Last evaluated: 2021-09-17. Review status: criteria provided, single submitter. Criteria: Ambry Variant Classification Scheme 2023. Collection method: clinical testing. Allele origin: germline.
Comment: The p.L433S variant (also known as c.1298T>C), located in coding exon 10 of the BUB1B gene, results from a T to C substitution at nucleotide position 1298. The leucine at codon 433 is replaced by serine, an amino acid with dissimilar properties. This amino acid position is conserved. In addition, this alteration is predicted to be tolerated by in silico analysis. Since supporting evidence is limited at this time, the clinical significance of this alteration remains unclear.